The following is an entry in ClinVar:

NM_004963.4(GUCY2C):c.1750T>C (p.Phe584Leu)

Gene: GUCY2C (guanylate cyclase 2C; minus strand). Cytogenetic location: 12p12.3.
Variant type: single nucleotide variant.
Coding change: c.1750T>C on transcript NM_004963.4 (MANE Select); coding-DNA position 1750, T replaced by C.
Protein change: p.Phe584Leu; replaces phenylalanine 584 with leucine.
Molecular consequence: missense variant.
Genome position (GRCh38, 1-based): chr12:14,645,276, A>G on the plus strand (T>C on the coding strand, the complement: GUCY2C is on the minus strand). VCF-style: chr12-14645276-A-G. GRCh37 (hg19) VCF-style: chr12-14798210-A-G.
Other names: short protein forms F584L.
Identifiers: ClinVar variation 2747497 (VCV002747497.3), dbSNP rs2497693727, ClinGen allele CA383986919.

ClinVar aggregate classification (germline): Uncertain significance (1 of 4 stars; one submission).

Submission:

Labcorp Genetics (formerly Invitae), Labcorp
Classification: Uncertain significance. Last evaluated: 2023-08-02. Review status: criteria provided, single submitter. Criteria: Invitae Variant Classification Sherloc (09022015). Collection method: clinical testing. Allele origin: germline.
Comment: This variant has not been reported in the literature in individuals affected with GUCY2C-related conditions. This sequence change replaces phenylalanine, which is neutral and non-polar, with leucine, which is neutral and non-polar, at codon 584 of the GUCY2C protein (p.Phe584Leu). This variant is not present in population databases (gnomAD no frequency). Advanced modeling of protein sequence and biophysical properties (such as structural, functional, and spatial information, amino acid conservation, physicochemical variation, residue mobility, and thermodynamic stability) has been performed at Invitae for this missense variant, however the output from this modeling did not meet the statistical confidence thresholds required to predict the impact of this variant on GUCY2C protein function. In summary, the available evidence is currently insufficient to determine the role of this variant in disease. Therefore, it has been classified as a Variant of Uncertain Significance.